The following is an entry in ClinVar:

NM_001569.4(IRAK1):c.1924G>A (p.Val642Met)

Gene: IRAK1 (interleukin 1 receptor associated kinase 1; minus strand). Cytogenetic location: Xq28.
Variant type: single nucleotide variant.
Coding change: c.1924G>A on transcript NM_001569.4 (MANE Select); coding-DNA position 1924, G replaced by A.
Protein change: p.Val642Met; replaces valine 642 with methionine.
Molecular consequence: missense variant.
Genome position (GRCh38, 1-based): chrX:154,013,049, C>T on the plus strand (G>A on the coding strand, the complement: IRAK1 is on the minus strand). VCF-style: chrX-154013049-C-T. GRCh37 (hg19) VCF-style: chrX-153278500-C-T.
Other names: c.1834G>A, p.Val612Met (NM_001025242.2); c.1687G>A, p.Val563Met (NM_001025243.2); c.1912G>A, p.Val638Met (NM_001410701.1); short protein forms V642M, V563M, V612M, V638M.
Identifiers: ClinVar variation 2239348 (VCV002239348.5), dbSNP rs145414165, ClinGen allele CA10558040.

ClinVar aggregate classification (germline): Conflicting classifications of pathogenicity. Review status: criteria provided, conflicting classifications (1 of 4 stars). 3 submissions from 3 submitters: Uncertain significance (1); Likely benign (1). 1 of the submissions does not count toward it. Last evaluated 2024-03-15.

Conditions:
IRAK1-related disorder. Also called: IRAK1-related condition.

Allele frequency attached by ClinVar (database versions not stated): gnomAD exomes 0.00009; 1000 Genomes Project 30x 0.00021; ExAC 0.00023; 1000 Genomes Project 0.00026; ESP Exome Variant Server 0.00058; gnomAD 0.00066; TOPMed 0.00085.

Submissions (3):

Ambry Genetics
Classification: Uncertain significance. Last evaluated: 2024-03-15. Review status: criteria provided, single submitter. Criteria: Ambry Variant Classification Scheme 2023. Collection method: clinical testing. Allele origin: germline.

Blueprint Genetics
Classification: Likely benign. Last evaluated: 2023-10-18. Review status: criteria provided, single submitter. Criteria: ACMG Guidelines, 2015. Collection method: clinical testing. Allele origin: germline.

PreventionGenetics, part of Exact Sciences
Classification: Likely benign for IRAK1-related condition. Last evaluated: 2022-05-13. Review status: no assertion criteria provided. Collection method: clinical testing. Allele origin: germline. Not counted in ClinVar's aggregate classification.
Comment: This variant is classified as likely benign based on ACMG/AMP sequence variant interpretation guidelines (Richards et al. 2015 PMID: 25741868, with internal and published modifications).